The following is an entry in ClinVar:

ClinVar aggregate classification (germline): Uncertain significance (1 of 4 stars; one submission).

Conditions:
Cardiovascular phenotype. Identifiers: MedGen CN230736.

Submission:

Ambry Genetics
Classification: Uncertain significance for Cardiovascular phenotype. Last evaluated: 2021-11-02. Review status: criteria provided, single submitter. Criteria: Ambry Variant Classification Scheme 2023. Collection method: clinical testing. Allele origin: germline.
Comment: The p.K39R variant (also known as c.116A>G), located in coding exon 1 of the LCAT gene, results from an A to G substitution at nucleotide position 116. The lysine at codon 39 is replaced by arginine, an amino acid with highly similar properties. This amino acid position is conserved. In addition, the in silico prediction for this alteration is inconclusive. Since supporting evidence is limited at this time, the clinical significance of this alteration remains unclear.

NM_000229.2(LCAT):c.116A>G (p.Lys39Arg)

Genes: LCAT (lecithin-cholesterol acyltransferase; minus strand), SLC12A4 (solute carrier family 12 member 4; minus strand). Cytogenetic location: 16q22.1.
Variant type: single nucleotide variant.
Coding change: c.116A>G on transcript NM_000229.2 (MANE Select); coding-DNA position 116, A replaced by G.
Protein change: p.Lys39Arg; replaces lysine 39 with arginine.
Molecular consequence: missense variant. On other transcripts: 3 prime UTR variant (5).
Genome position (GRCh38, 1-based): chr16:67,943,986, T>C on the plus strand (A>G on the coding strand, the complement: LCAT is on the minus strand). VCF-style: chr16-67943986-T-C. GRCh37 (hg19) VCF-style: chr16-67977889-T-C.
Other names: c.*854A>G (NM_001145961.2, NM_001145962.1, NM_001145963.2 and 2 more transcripts); short protein forms K39R.
Identifiers: ClinVar variation 1739092 (VCV001739092.2), dbSNP rs2058312868, ClinGen allele CA396382632.